The following is an entry in ClinVar:

ClinVar aggregate classification (germline): Uncertain significance. Review status: criteria provided, multiple submitters, no conflicts (2 of 4 stars). 2 submissions from 2 submitters: Uncertain significance (2). Last evaluated 2025-07-10.

Conditions:
Inborn genetic diseases. Identifiers: MedGen C0950123, MeSH D030342.

Submissions (2):

Labcorp Genetics (formerly Invitae), Labcorp
Classification: Uncertain significance. Last evaluated: 2025-07-10. Review status: criteria provided, single submitter. Criteria: Invitae Variant Classification Sherloc (09022015). Collection method: clinical testing. Allele origin: germline.
Comment: This sequence change replaces arginine, which is basic and polar, with lysine, which is basic and polar, at codon 730 of the PTPN23 protein (p.Arg730Lys). This variant is not present in population databases (gnomAD no frequency). This variant has not been reported in the literature in individuals affected with PTPN23-related conditions. ClinVar contains an entry for this variant (Variation ID: 1372899). An algorithm developed to predict the effect of missense changes on protein structure and function outputs the following: PolyPhen-2: "Not Available". The lysine amino acid residue is found in multiple mammalian species, which suggests that this missense change does not adversely affect protein function. In summary, the available evidence is currently insufficient to determine the role of this variant in disease. Therefore, it has been classified as a Variant of Uncertain Significance.

Ambry Genetics
Classification: Uncertain significance for Inborn genetic diseases. Last evaluated: 2025-07-02. Review status: criteria provided, single submitter. Criteria: Ambry Variant Classification Scheme 2023. Collection method: clinical testing. Allele origin: germline.

NM_015466.4(PTPN23):c.2189G>A (p.Arg730Lys)

Gene: PTPN23 (protein tyrosine phosphatase non-receptor type 23; plus strand). Cytogenetic location: 3p21.31.
Variant type: single nucleotide variant.
Coding change: c.2189G>A on transcript NM_015466.4 (MANE Select); coding-DNA position 2189, G replaced by A.
Protein change: p.Arg730Lys; replaces arginine 730 with lysine.
Molecular consequence: missense variant.
Genome position (GRCh38, 1-based): chr3:47,409,987, G>A. VCF-style: chr3-47409987-G-A. GRCh37 (hg19) VCF-style: chr3-47451477-G-A.
Other names: c.1811G>A, p.Arg604Lys (NM_001304482.2); c.2189G>A (NM_015466.2); short protein forms R604K, R730K.
Identifiers: ClinVar variation 1372899 (VCV001372899.6), dbSNP rs371402807, ClinGen allele CA73879376.
Genomic context (GRCh38, chr3:47,409,987, plus strand): 5'-GGGAGCTGAAGAAGAAGCCGCCGCCACGGCCCACAGCCCCAAAGCCGCTGCTGCCCCGCA[G>A]GGAGGAGAGTGAGGCAGTGGAAGCAGGAGACCCCCCTGAGGAGCTGCGCAGCCTCCCCCC-3'
Protein context (NP_056281.1, residues 720-740): PTAPKPLLPR[Arg730Lys]EESEAVEAGD